The following is an entry in ClinVar:

NM_012295.4(CABIN1):c.4633-10G>T

Gene: CABIN1 (calcineurin binding protein 1; plus strand). Cytogenetic location: 22q11.23.
Variant type: single nucleotide variant.
Coding change: c.4633-10G>T on transcript NM_012295.4 (MANE Select); 10 bases into the intron before coding-DNA position 4633, G replaced by T.
Molecular consequence: intron variant.
Genome position (GRCh38, 1-based): chr22:24,134,292, G>T. VCF-style: chr22-24134292-G-T. GRCh37 (hg19) VCF-style: chr22-24530259-G-T.
Other names: c.4483-10G>T (NM_001201429.2); c.4633-10G>T (NM_001199281.1).
Identifiers: ClinVar variation 3053611 (VCV003053611.2), dbSNP rs181072833, ClinGen allele CA10149533.

ClinVar aggregate classification (germline): Benign (0 of 4 stars; one submission).

Conditions:
CABIN1-related disorder. Also called: CABIN1-related condition.

Allele frequency attached by ClinVar (database versions not stated): 1000 Genomes Project 0.00180; 1000 Genomes Project 30x 0.00234; TOPMed 0.00244; ESP Exome Variant Server 0.00292.
gnomAD v4.1: 601 of 1,611,006 alleles (0.037%); highest among the groups gnomAD compares: African/African-American, 0.74%; 1 homozygote.

Submission:

PreventionGenetics, part of Exact Sciences
Classification: Benign for CABIN1-related condition. Last evaluated: 2019-09-11. Review status: no assertion criteria provided. Collection method: clinical testing. Allele origin: germline.
Comment: This variant is classified as benign based on ACMG/AMP sequence variant interpretation guidelines (Richards et al. 2015 PMID: 25741868, with internal and published modifications).